The following is an entry in ClinVar:

NM_006118.4(HAX1):c.461C>T (p.Pro154Leu)

Gene: HAX1 (HCLS1 associated protein X-1; plus strand). Cytogenetic location: 1q21.3.
Variant type: single nucleotide variant.
Coding change: c.461C>T on transcript NM_006118.4 (MANE Select); coding-DNA position 461, C replaced by T.
Protein change: p.Pro154Leu; replaces proline 154 with leucine.
Molecular consequence: missense variant.
Genome position (GRCh38, 1-based): chr1:154,273,918, C>T. VCF-style: chr1-154273918-C-T. GRCh37 (hg19) VCF-style: chr1-154246394-C-T.
Other names: c.317C>T, p.Pro106Leu (NM_001018837.2); short protein forms P106L, P154L.
Identifiers: ClinVar variation 845002 (VCV000845002.12), dbSNP rs1389861333, ClinGen allele CA342592863.

ClinVar aggregate classification (germline): Uncertain significance. Review status: criteria provided, multiple submitters, no conflicts (2 of 4 stars). 3 submissions from 3 submitters: Uncertain significance (2). 1 of the submissions does not count toward it. Last evaluated 2024-11-22.

Conditions:
Inborn genetic diseases. Identifiers: MedGen C0950123, MeSH D030342.
Kostmann syndrome (SCN3). Also called: Autosomal recessive severe congenital neutropenia type 3; KOSTMANN DISEASE. Identifiers: Orphanet 99749, MedGen C5235141, MONDO:0012548, OMIM 610738.

Allele frequency attached by ClinVar (database versions not stated): gnomAD exomes below 0.00001; TOPMed below 0.00001; gnomAD 0.00001.
gnomAD v4.1: 2 of 1,614,010 alleles (0.00012%); highest among the groups gnomAD compares: African/African-American, 0.0013%; no homozygotes.

Submissions (3):

Ambry Genetics
Classification: Uncertain significance for Inborn genetic diseases. Last evaluated: 2024-11-22. Review status: criteria provided, single submitter. Criteria: Ambry Variant Classification Scheme 2023. Collection method: clinical testing. Allele origin: germline.
Comment: The p.P154L variant (also known as c.461C>T), located in coding exon 3 of the HAX1 gene, results from a C to T substitution at nucleotide position 461. The proline at codon 154 is replaced by leucine, an amino acid with similar properties. This amino acid position is conserved. In addition, this alteration is predicted to be tolerated by in silico analysis. Based on the available evidence, the clinical significance of this variant remains unclear.

Labcorp Genetics (formerly Invitae), Labcorp
Classification: Uncertain significance for Kostmann syndrome. Last evaluated: 2019-11-21. Review status: criteria provided, single submitter. Criteria: Invitae Variant Classification Sherloc (09022015). Collection method: clinical testing. Allele origin: germline.
Comment: Algorithms developed to predict the effect of missense changes on protein structure and function (SIFT, PolyPhen-2, Align-GVGD) all suggest that this variant is likely to be tolerated, but these predictions have not been confirmed by published functional studies and their clinical significance is uncertain. In summary, the available evidence is currently insufficient to determine the role of this variant in disease. Therefore, it has been classified as a Variant of Uncertain Significance. This variant has not been reported in the literature in individuals with HAX1-related conditions. This sequence change replaces proline with leucine at codon 154 of the HAX1 protein (p.Pro154Leu). The proline residue is weakly conserved and there is a moderate physicochemical difference between proline and leucine. This variant is not present in population databases (ExAC no frequency).

Natera, Inc.
Classification: Uncertain significance for Autosomal recessive severe congenital neutropenia type 3. Last evaluated: 2020-01-24. Review status: no assertion criteria provided. Collection method: clinical testing. Allele origin: germline. Not counted in ClinVar's aggregate classification.